The following is an entry in ClinVar:

NM_000719.7(CACNA1C):c.3493G>A (p.Val1165Ile)

Gene: CACNA1C (calcium voltage-gated channel subunit alpha1 C; plus strand). Cytogenetic location: 12p13.33.
Variant type: single nucleotide variant.
Coding change: c.3493G>A on transcript NM_000719.7 (MANE Select); coding-DNA position 3493, G replaced by A.
Protein change: p.Val1165Ile; replaces valine 1165 with isoleucine.
Molecular consequence: missense variant.
Genome position (GRCh38, 1-based): chr12:2,608,647, G>A. VCF-style: chr12-2608647-G-A. GRCh37 (hg19) VCF-style: chr12-2717813-G-A.
Other names: c.3553G>A, p.Val1185Ile (NM_001129827.2, NM_001129832.2, NM_199460.4); c.3493G>A, p.Val1165Ile (NM_001129829.2, NM_001129830.3, NM_001129831.2 and 15 more transcripts); c.3484G>A, p.Val1162Ile (NM_001129844.2); c.3553G>A (NM_199460.3); short protein forms V1162I, V1165I, V1185I.
Identifiers: ClinVar variation 2575541 (VCV002575541.2), dbSNP rs2518581626, ClinGen allele CA383375557.
Genomic context (GRCh38, chr12:2,608,647, plus strand): 5'-TTCTTCATCATCTACATCATCATCATCGCCTTCTTCATGATGAACATCTTCGTGGGCTTC[G>A]TCATCGTCACCTTTCAGGAGCAGGGGGAGCAGGAGTACAAGAACTGTGAGCTGGACAAGA-3'
Protein context (NP_000710.5, residues 1155-1175): FFMMNIFVGF[Val1165Ile]IVTFQEQGEQ

ClinVar aggregate classification (germline): Uncertain significance. Review status: criteria provided, multiple submitters, no conflicts (2 of 4 stars). 2 submissions from 2 submitters: Uncertain significance (2). Last evaluated 2026-03-27.

Conditions:
Cardiovascular phenotype. Identifiers: MedGen CN230736.

Allele frequency attached by ClinVar (database versions not stated): gnomAD exomes below 0.00001.
gnomAD v4.1: 4 of 1,614,100 alleles (0.00025%); highest among the groups gnomAD compares: Non-Finnish European, 0.00034%; no homozygotes.

Submissions (2):

Molecular Diagnostic Laboratory for Inherited Cardiovascular Disease, Montreal Heart Institute
Classification: Uncertain significance for Cardiovascular phenotype. Last evaluated: 2026-03-27. Review status: criteria provided, single submitter. Criteria: ACMG Guidelines, 2015. Collection method: clinical testing. Allele origin: germline. Affected: yes.
Comment: PM2

GeneDx
Classification: Uncertain significance. Last evaluated: 2023-02-09. Review status: criteria provided, single submitter. Criteria: GeneDx Variant Classification Process June 2021. Collection method: clinical testing. Allele origin: germline. Affected: yes.
Comment: Not observed at significant frequency in large population cohorts (gnomAD); In silico analysis supports that this missense variant does not alter protein structure/function; Has not been previously published as pathogenic or benign to our knowledge